The following is an entry in ClinVar:

ClinVar aggregate classification (germline): Pathogenic (1 of 4 stars; one submission).

Conditions:
Neuronopathy, distal hereditary motor, autosomal recessive 4. Also called: NEUROPATHY, DISTAL HEREDITARY MOTOR, AUTOSOMAL RECESSIVE 4; Autosomal recessive lower motor neuron disease with childhood onset. Identifiers: Orphanet 206580, MedGen C1970211, MONDO:0012608, OMIM 611067.
Charcot-Marie-Tooth disease recessive intermediate C. Also called: CHARCOT-MARIE-TOOTH NEUROPATHY, RECESSIVE INTERMEDIATE C. Identifiers: Orphanet 369867, MedGen C3809309, MONDO:0014154, OMIM 615376.

Submission:

Labcorp Genetics (formerly Invitae), Labcorp
Classification: Pathogenic for Neuronopathy, distal hereditary motor, autosomal recessive 4; Charcot-Marie-Tooth disease recessive intermediate C. Last evaluated: 2023-02-10. Review status: criteria provided, single submitter. Criteria: Invitae Variant Classification Sherloc (09022015). Collection method: clinical testing. Allele origin: germline.
Comment: This sequence change creates a premature translational stop signal (p.Pro961Leufs*10) in the PLEKHG5 gene. It is expected to result in an absent or disrupted protein product. Loss-of-function variants in PLEKHG5 are known to be pathogenic (PMID: 17564964, 23777631). This variant is not present in population databases (gnomAD no frequency). This variant has not been reported in the literature in individuals affected with PLEKHG5-related conditions. For these reasons, this variant has been classified as Pathogenic.

Literature cited by the submitters: PubMed 17564964; PubMed 23777631.

NM_020631.6(PLEKHG5):c.2880_2881del (p.Pro961fs)

Gene: PLEKHG5 (pleckstrin homology and RhoGEF domain containing G5; minus strand). Cytogenetic location: 1p36.31.
Variant type: Deletion.
Coding change: c.2880_2881del on transcript NM_020631.6 (MANE Select); coding-DNA positions 2880 to 2881, 2 bases deleted (GC; older notation c.2880_2881delGC).
Protein change: p.Pro961fs; shifts the reading frame from proline 961.
Molecular consequence: frameshift variant. On other transcripts: intron variant (1).
Genome position (GRCh38, 1-based): chr1:6,467,955-6,467,956, GC deleted on the plus strand (GC on the coding strand, the reverse complement: PLEKHG5 is on the minus strand). VCF-style (leftmost placement, unchanged base first): chr1-6467954-GGC-G. GRCh37 (hg19) VCF-style: chr1-6528014-GGC-G.
Other names: c.2991_2992del, p.Pro998fs (NM_001042663.3, NM_001265592.2); c.2880_2881del, p.Pro961fs (NM_001042664.2, NM_001042665.2, NM_198681.4); c.3087_3088del, p.Pro1030fs (NM_001265593.2); c.2738-58_2738-57del (NM_001265594.3); short protein forms P1030fs, P998fs, P961fs.
Identifiers: ClinVar variation 2940176 (VCV002940176.3), dbSNP rs2523104783, ClinGen allele CA2740090571.